The following is an entry in ClinVar:

NM_001364905.1(LRBA):c.375T>A (p.Leu125=)

Gene: LRBA (LPS responsive beige-like anchor protein; minus strand). Cytogenetic location: 4q31.3.
Variant type: single nucleotide variant.
Coding change: c.375T>A on transcript NM_001364905.1 (MANE Select); coding-DNA position 375, T replaced by A.
Protein change: p.Leu125=; no amino-acid change (leucine 125 retained).
Molecular consequence: synonymous variant.
Genome position (GRCh38, 1-based): chr4:150,928,907, A>T on the plus strand (T>A on the coding strand, the complement: LRBA is on the minus strand). VCF-style: chr4-150928907-A-T. GRCh37 (hg19) VCF-style: chr4-151850059-A-T.
Other names: c.375T>A, p.Leu125= (NM_001199282.3, NM_001367550.1, NM_006726.5).
Identifiers: ClinVar variation 782446 (VCV000782446.17), dbSNP rs202090159, ClinGen allele CA3103893.
Genomic context (GRCh38, chr4:150,928,907, plus strand): 5'-GTCAACTTTTTCAATTTTCCCAAGCACTTTTTCAACAAGGCCTACTTCAGTGCAGACTTG[A>T]AGATTCCGTATGCTTTTCTTCAGAATGGCTGTAAACATGCTCCAGACTTCTGCTTGGCAC-3'
Protein context (NP_001351834.1, residues 115-135): TAILKKSIRN[Leu125=]QVCTEVGLVE

ClinVar aggregate classification (germline): Likely benign. Review status: criteria provided, multiple submitters, no conflicts (2 of 4 stars). 3 submissions from 3 submitters: Likely benign (3). Last evaluated 2025-11-01.

Conditions:
Combined immunodeficiency due to LRBA deficiency. Also called: Common variable immunodeficiency 8, with autoimmunity. Identifiers: Orphanet 445018, MedGen C3553512, MONDO:0013863, OMIM 614700.

Allele frequency attached by ClinVar (database versions not stated): ExAC 0.00001; gnomAD exomes 0.00001 and 0.00003; 1000 Genomes Project 30x 0.00016; gnomAD 0.00017; 1000 Genomes Project 0.00020; TOPMed 0.00043.
gnomAD v4.1: 50 of 1,614,120 alleles (0.0031%); highest among the groups gnomAD compares: Admixed American, 0.047%; no homozygotes.

Submissions (3):

CeGaT Center for Human Genetics Tuebingen
Classification: Likely benign. Last evaluated: 2025-11-01. Review status: criteria provided, single submitter. Criteria: CeGaT Center For Human Genetics Tuebingen Variant Classification Criteria Version 2. Collection method: clinical testing. Allele origin: germline. Affected: yes. Observed: 1 variant allele.
Comment: LRBA: BP4, BP7

Labcorp Genetics (formerly Invitae), Labcorp
Classification: Likely benign for Combined immunodeficiency due to LRBA deficiency. Last evaluated: 2025-08-25. Review status: criteria provided, single submitter. Criteria: Invitae Variant Classification Sherloc (09022015). Collection method: clinical testing. Allele origin: germline.

Blueprint Genetics
Classification: Likely benign. Last evaluated: 2020-08-25. Review status: criteria provided, single submitter. Criteria: ACMG Guidelines, 2015. Collection method: clinical testing. Allele origin: germline.